The following is an entry in ClinVar:

NM_004281.4(BAG3):c.512C>T (p.Ser171Phe)

Gene: BAG3 (BAG cochaperone 3; plus strand). Cytogenetic location: 10q26.11.
Variant type: single nucleotide variant.
Coding change: c.512C>T on transcript NM_004281.4 (MANE Select); coding-DNA position 512, C replaced by T.
Protein change: p.Ser171Phe; replaces serine 171 with phenylalanine.
Molecular consequence: missense variant.
Genome position (GRCh38, 1-based): chr10:119,672,259, C>T. VCF-style: chr10-119672259-C-T. GRCh37 (hg19) VCF-style: chr10-121431771-C-T.
Other names: p.S171F:TCC>TTC; short protein forms S171F.
Identifiers: ClinVar variation 201680 (VCV000201680.2), dbSNP rs794728978, ClinGen allele CA308225.

ClinVar aggregate classification (germline): Uncertain significance (1 of 4 stars; one submission).

Allele frequency attached by ClinVar (database versions not stated): gnomAD exomes below 0.00001.
gnomAD v4.1: 1 of 1,613,148 alleles (0.000062%); highest among the groups gnomAD compares: Non-Finnish European, 0.000085%; no homozygotes.

Submission:

GeneDx
Classification: Uncertain significance. Last evaluated: 2018-04-10. Review status: criteria provided, single submitter. Criteria: GeneDx Variant Classification (06012015). Collection method: clinical testing. Allele origin: germline. Affected: yes.
Comment: p.Ser171Phe (TCC>TTC): c.512 C>T in exon 3 of the BAG3 gene (NM_004281.3). Mutations in BAG3 account for approximately 2.5% of familial DCM cases (Hershberger RE and Morales A, 2013). Mutations in BAG3 may also cause myofibrillar myopathy type 6, which is characterized by early-onset, severe, progressive, diffuse muscle weakness associated with cardiomyopathy, severe respiratory insufficiency and spine rigidity (Hershberger RE and Morales A, 2013). The S171F variant has not been published as a mutation, nor has it been reported as a benign polymorphism to our knowledge. The S171F variant was not observed in approximately 6,500 individuals of European and African American ancestry in the NHLBI Exome Sequencing Project, indicating it is not a common benign variant in these populations. The S171F variant is a non-conservative amino acid substitution, which is likely to impact secondary protein structure as these residues differ in polarity, charge, size and/or other properties. However, this substitution occurs at a position that is not conserved across species. In silico analysis predicts this variant is probably damaging to the protein structure/function. No missense mutations in nearby residues have been reported in association with DCM or myopathy, suggesting this region of the protein may be tolerant of change. Therefore, based on the currently available information, it is unclear whether this variant is a pathogenic mutation or a rare benign variant. The variant is found in CARDIOMYOPATHY panel(s).